The following is an entry in ClinVar:

NM_001876.4(CPT1A):c.1027T>G (p.Phe343Val)

Gene: CPT1A (carnitine palmitoyltransferase 1A; minus strand). Cytogenetic location: 11q13.3.
Variant type: single nucleotide variant.
Coding change: c.1027T>G on transcript NM_001876.4 (MANE Select); coding-DNA position 1027, T replaced by G.
Protein change: p.Phe343Val; replaces phenylalanine 343 with valine.
Molecular consequence: missense variant.
Genome position (GRCh38, 1-based): chr11:68,784,951, A>C on the plus strand (T>G on the coding strand, the complement: CPT1A is on the minus strand). VCF-style: chr11-68784951-A-C. GRCh37 (hg19) VCF-style: chr11-68552419-A-C.
Other names: c.1027T>G, p.Phe343Val (NM_001031847.3); short protein forms F343V.
Identifiers: ClinVar variation 65639 (VCV000065639.9), dbSNP rs80356783, ClinGen allele CA344958.

ClinVar aggregate classification (germline): Conflicting classifications of pathogenicity. Review status: criteria provided, conflicting classifications (1 of 4 stars). 5 submissions from 5 submitters: Likely pathogenic (2); Uncertain significance (2). 1 of the submissions does not count toward it. Last evaluated 2025-05-29.

Conditions:
Carnitine palmitoyl transferase 1A deficiency. Also called: CPT deficiency, hepatic, type IA; Carnitine palmitoyltransferase 1A deficiency; Carnitine palmitoyltransferase type I deficiency; CPT I DEFICIENCY; CPT DEFICIENCY, HEPATIC, TYPE I. Identifiers: Orphanet 156, MedGen C1829703, MONDO:0009705, OMIM 255120.

Allele frequency attached by ClinVar (database versions not stated): gnomAD exomes 0.00001; TOPMed 0.00001.
gnomAD v4.1: 4 of 1,614,106 alleles (0.00025%); highest among the groups gnomAD compares: Admixed American, 0.0067%; no homozygotes.

Submissions (5):

Women's Health and Genetics/Laboratory Corporation of America, LabCorp
Classification: Uncertain significance. Last evaluated: 2025-05-29. Review status: criteria provided, single submitter. Criteria: LabCorp Variant Classification Summary - May 2015. Collection method: clinical testing. Allele origin: germline.
Comment: Variant summary: CPT1A c.1027T>G (p.Phe343Val) results in a non-conservative amino acid change in the encoded protein sequence. Algorithms developed to predict the effect of missense changes on protein structure and function all suggest that this variant is likely to be disruptive. The variant allele was found at a frequency of 1.2e-05 in 251284 control chromosomes (gnomAD). c.1027T>G has been observed in at least one apparently homozygous individual affected with Carnitine Palmitoyltransferase I Deficiency (Bennett_2004), where patient derived skin fibroblasts demonstrated severe deficiency of CPT1A. The following publication have been ascertained in the context of this evaluation (PMID: 15110323). ClinVar contains an entry for this variant (Variation ID: 65639). Based on the evidence outlined above, the variant was classified as VUS-possibly pathogenic.

GeneDx
Classification: Likely pathogenic. Last evaluated: 2023-07-14. Review status: criteria provided, single submitter. Criteria: GeneDx Variant Classification Process June 2021. Collection method: clinical testing. Allele origin: germline. Affected: yes.
Comment: In silico analysis supports that this missense variant has a deleterious effect on protein structure/function; Not observed at significant frequency in large population cohorts (gnomAD); This variant is associated with the following publications: (PMID: 15110323, 37033619, 23566841)

Baylor Genetics
Classification: Likely pathogenic for Carnitine palmitoyl transferase 1A deficiency. Last evaluated: 2022-04-09. Review status: criteria provided, single submitter. Criteria: ACMG Guidelines, 2015. Collection method: clinical testing. Allele origin: unknown.

Labcorp Genetics (formerly Invitae), Labcorp
Classification: Uncertain significance for Carnitine palmitoyl transferase 1A deficiency. Last evaluated: 2021-12-21. Review status: criteria provided, single submitter. Criteria: Invitae Variant Classification Sherloc (09022015). Collection method: clinical testing. Allele origin: germline.
Comment: This sequence change replaces phenylalanine, which is neutral and non-polar, with valine, which is neutral and non-polar, at codon 343 of the CPT1A protein (p.Phe343Val). This variant is present in population databases (rs80356783, gnomAD 0.009%). This missense change has been observed in individual(s) with carnitine palmitoyltransferase 1 deficiency (PMID: 15110323). ClinVar contains an entry for this variant (Variation ID: 65639). Algorithms developed to predict the effect of missense changes on protein structure and function are either unavailable or do not agree on the potential impact of this missense change (SIFT: "Deleterious"; PolyPhen-2: "Possibly Damaging"; Align-GVGD: "Class C0"). In summary, the available evidence is currently insufficient to determine the role of this variant in disease. Therefore, it has been classified as a Variant of Uncertain Significance.

GeneReviews
No classification provided. Condition: Carnitine palmitoyl transferase 1A deficiency. Review status: no classification provided. Collection method: literature only. Allele origin: germline. Not counted in ClinVar's aggregate classification.

Literature cited by the submitters: PubMed 15110323 (cited by Women's Health and Genetics/Laboratory Corporation of America, LabCorp and Labcorp Genetics (formerly Invitae), Labcorp); NCBI Bookshelf NBK1527 (cited by GeneReviews).